The following is an entry in ClinVar:

NM_015335.5(MED13L):c.881_882insAATCCCGGT (p.Val294_Pro295insIleProVal)

Gene: MED13L (mediator complex subunit 13L; minus strand). Cytogenetic location: 12q24.21.
Variant type: Insertion.
Coding change: c.881_882insAATCCCGGT on transcript NM_015335.5 (MANE Select); coding-DNA positions 881 to 882, AATCCCGGT inserted.
Protein change: p.Val294_Pro295insIleProVal.
Molecular consequence: inframe insertion.
Genome position: GRCh38 VCF-style: chr12-116019351-A-AACCGGGATT. GRCh37 (hg19) VCF-style: chr12-116457156-A-AACCGGGATT.
Identifiers: ClinVar variation 1805835 (VCV001805835.1), dbSNP rs2499943835, ClinGen allele CA1139532815.

ClinVar aggregate classification (germline): Likely benign (1 of 4 stars; one submission).

Conditions:
Cardiac anomalies - developmental delay - facial dysmorphism syndrome (MRFACD). Also called: MED13L Syndrome; Impaired intellectual development and distinctive facial features with or without cardiac defects. Identifiers: Orphanet 369891, MedGen C5192431, MONDO:0014773, OMIM 616789.

Submission:

Victorian Clinical Genetics Services, Murdoch Childrens Research Institute
Classification: Likely benign for Cardiac anomalies - developmental delay - facial dysmorphism syndrome. Last evaluated: 2020-10-19. Review status: criteria provided, single submitter. Criteria: ACMG Guidelines, 2015. Collection method: clinical testing. Allele origin: germline. Inheritance: Autosomal dominant inheritance. Affected: yes.
Comment: Based on the classification scheme VCGS_Germline_v1.3.3, this variant is classified as Likely Benign. Following criteria are met: 0102 - Loss of function is a known mechanism of disease in this gene and is associated with MED13L-related neurodevelopmental disorder. (I) 0107 - This gene is associated with autosomal dominant disease. (I) 0115 - Variants in this gene are known to have variable expressivity, where the presence of cardiac abnormalities is variable (PMID: 25758992). 0213 - In-frame insertion/deletion in a non-repetitive region that has high conservation. (SP) 0251 - This variant is heterozygous. (I) 0301 - Variant is absent from gnomAD (both v2 and v3). (SP) 0604 - Variant is not located in an established domain, motif, hotspot or informative constraint region. (I) 0705 - No comparable in-frame insertion variants have previous evidence for pathogenicity. (I) 0807 - This variant has no previous evidence of pathogenicity. (I) 0905 - No published segregation evidence has been identified for this variant. (I) 1007 - No published functional evidence has been identified for this variant. (I) 1102 - Strong phenotype match for this individual. (I) Legend: (SP) - Supporting pathogenic, (I) - Information, (SB) - Supporting benign

Literature cited by the submitters: PubMed 25758992.